The following is an entry in ClinVar:

ClinVar aggregate classification (germline): Uncertain significance (1 of 4 stars; one submission).

Conditions:
Psoriasis 2. Identifiers: MedGen C1864497, MONDO:0011269, OMIM 602723.
Pityriasis rubra pilaris (PRP). Also called: Pityriasis rubra pilaris--familial type. Identifiers: Orphanet 2897, MedGen C0032027, MONDO:0100017, OMIM 173200, MONDO:0008251.

Allele frequency attached by ClinVar (database versions not stated): TOPMed 0.00001.
gnomAD v4.1: 26 of 1,576,116 alleles (0.0016%); highest among the groups gnomAD compares: Non-Finnish European, 0.0021%; no homozygotes.

Submission:

Labcorp Genetics (formerly Invitae), Labcorp
Classification: Uncertain significance for Pityriasis rubra pilaris; Psoriasis 2. Last evaluated: 2025-07-02. Review status: criteria provided, single submitter. Criteria: Invitae Variant Classification Sherloc (09022015). Collection method: clinical testing. Allele origin: germline.
Comment: This sequence change replaces glutamic acid, which is acidic and polar, with glutamine, which is neutral and polar, at codon 876 of the CARD14 protein (p.Glu876Gln). This variant is present in population databases (rs746358733, gnomAD 0.01%). This variant has not been reported in the literature in individuals affected with CARD14-related conditions. ClinVar contains an entry for this variant (Variation ID: 1040385). Invitae Evidence Modeling of protein sequence and biophysical properties (such as structural, functional, and spatial information, amino acid conservation, physicochemical variation, residue mobility, and thermodynamic stability) indicates that this missense variant is not expected to disrupt CARD14 protein function with a negative predictive value of 95%. In summary, the available evidence is currently insufficient to determine the role of this variant in disease. Therefore, it has been classified as a Variant of Uncertain Significance.

NM_001366385.1(CARD14):c.2626G>C (p.Glu876Gln)

Genes: CARD14 (caspase recruitment domain family member 14; plus strand), SGSH (N-sulfoglucosamine sulfohydrolase; minus strand), LOC126862662 (MED14-independent group 3 enhancer GRCh37_chr17:78178385-78179584; plus strand). Cytogenetic location: 17q25.3.
Variant type: single nucleotide variant.
Coding change: c.2626G>C on transcript NM_001366385.1 (MANE Select); coding-DNA position 2626, G replaced by C.
Protein change: p.Glu876Gln; replaces glutamic acid 876 with glutamine.
Molecular consequence: missense variant. On other transcripts: non-coding transcript variant (1).
Genome position (GRCh38, 1-based): chr17:80,205,587, G>C. VCF-style: chr17-80205587-G-C. GRCh37 (hg19) VCF-style: chr17-78179386-G-C.
Other names: c.2626G>C, p.Glu876Gln (NM_024110.4); short protein forms E876Q.
Identifiers: ClinVar variation 1040385 (VCV001040385.9), dbSNP rs746358733, ClinGen allele CA8817393.